The following is an entry in ClinVar:

ClinVar aggregate classification (germline): Uncertain significance (1 of 4 stars; one submission).

Allele frequency attached by ClinVar (database versions not stated): gnomAD exomes below 0.00001; ExAC 0.00001; TOPMed 0.00001.

Submission:

GeneDx
Classification: Uncertain significance. Last evaluated: 2021-06-28. Review status: criteria provided, single submitter. Criteria: GeneDx Variant Classification Process June 2021. Collection method: clinical testing. Allele origin: germline. Affected: yes.
Comment: Not observed at significant frequency in large population cohorts (Lek et al., 2016); In silico analysis supports that this missense variant has a deleterious effect on splicing; In silico analysis supports that this missense variant has a deleterious effect on protein structure/function; Has not been previously published as pathogenic or benign to our knowledge; This variant is associated with the following publications: (PMID: 27535533)

NM_003793.4(CTSF):c.833G>A (p.Arg278Lys)

Gene: CTSF (cathepsin F; minus strand). Cytogenetic location: 11q13.2.
Variant type: single nucleotide variant.
Coding change: c.833G>A on transcript NM_003793.4 (MANE Select); coding-DNA position 833, G replaced by A.
Protein change: p.Arg278Lys; replaces arginine 278 with lysine.
Molecular consequence: missense variant.
Genome position (GRCh38, 1-based): chr11:66,566,056, C>T on the plus strand (G>A on the coding strand, the complement: CTSF is on the minus strand). VCF-style: chr11-66566056-C-T. GRCh37 (hg19) VCF-style: chr11-66333527-C-T.
Other names: short protein forms R278K.
Identifiers: ClinVar variation 1331169 (VCV001331169.2), dbSNP rs764869338, ClinGen allele CA6125426.